The following is an entry in ClinVar:

ClinVar aggregate classification (germline): Benign/Likely benign. Review status: criteria provided, multiple submitters, no conflicts (2 of 4 stars). 4 submissions from 4 submitters: Benign (1); Likely benign (3). Last evaluated 2026-02-01.

Conditions:
Autoinflammatory syndrome. Identifiers: Orphanet 93665, MedGen C3890737, MONDO:0019751.
Pityriasis rubra pilaris (PRP). Also called: Pityriasis rubra pilaris--familial type. Identifiers: Orphanet 2897, MedGen C0032027, MONDO:0100017, OMIM 173200, MONDO:0008251.
Psoriasis 2. Identifiers: MedGen C1864497, MONDO:0011269, OMIM 602723.

Allele frequency attached by ClinVar (database versions not stated): gnomAD 0.00026 and 0.00040; TOPMed 0.00032; gnomAD exomes 0.00040 and 0.00086; ExAC 0.00089; 1000 Genomes Project 30x 0.00265; 1000 Genomes Project 0.00280.
gnomAD v4.1: 628 of 1,593,392 alleles (0.039%); highest among the groups gnomAD compares: East Asian, 1.4%; 6 homozygotes.

Submissions (4):

CeGaT Center for Human Genetics Tuebingen
Classification: Likely benign. Last evaluated: 2026-02-01. Review status: criteria provided, single submitter. Criteria: CeGaT Center For Human Genetics Tuebingen Variant Classification Criteria Version 2. Collection method: clinical testing. Allele origin: germline. Affected: yes. Observed: 2 variant alleles.
Comment: CARD14: BP4, BP7, BS1

Labcorp Genetics (formerly Invitae), Labcorp
Classification: Benign for Pityriasis rubra pilaris; Psoriasis 2. Last evaluated: 2026-01-18. Review status: criteria provided, single submitter. Criteria: Invitae Variant Classification Sherloc (09022015). Collection method: clinical testing. Allele origin: germline.

Blueprint Genetics
Classification: Likely benign. Last evaluated: 2024-10-15. Review status: criteria provided, single submitter. Criteria: ACMG Guidelines, 2015. Collection method: clinical testing. Allele origin: germline.

Genome Diagnostics Laboratory, The Hospital for Sick Children
Classification: Likely benign for Autoinflammatory syndrome. Last evaluated: 2019-12-01. Review status: criteria provided, single submitter. Criteria: ACMG Guidelines, 2015. Collection method: clinical testing. Allele origin: germline. Affected: yes.

NM_001366385.1(CARD14):c.2403C>T (p.Ser801=)

Genes: CARD14 (caspase recruitment domain family member 14; plus strand), SGSH (N-sulfoglucosamine sulfohydrolase; minus strand), LOC126862662 (MED14-independent group 3 enhancer GRCh37_chr17:78178385-78179584; plus strand). Cytogenetic location: 17q25.3.
Variant type: single nucleotide variant.
Coding change: c.2403C>T on transcript NM_001366385.1 (MANE Select); coding-DNA position 2403, C replaced by T.
Protein change: p.Ser801=; no amino-acid change (serine 801 retained).
Molecular consequence: synonymous variant. On other transcripts: non-coding transcript variant (1).
Genome position (GRCh38, 1-based): chr17:80,205,039, C>T. VCF-style: chr17-80205039-C-T. GRCh37 (hg19) VCF-style: chr17-78178838-C-T.
Other names: c.2403C>T, p.Ser801= (NM_024110.4).
Identifiers: ClinVar variation 734551 (VCV000734551.38), dbSNP rs189286068, ClinGen allele CA8817319.
Genomic context (GRCh38, chr17:80,205,039, plus strand): 5'-AGGCTGGCTGGGGGCTGCCGCAGCCTCACCCACCCTCAGGATCCTCTCCTCCACAGGCTC[C>T]AGCACGTGCTTCTGGGCCGAGAGCTGCCTCACCCTGGTGCCCTATACCCTGGTGCGGCCC-3'
Protein context (NP_001353314.1, residues 791-811): GQLDPSRMEG[Ser801=]STCFWAESCL